The following is an entry in ClinVar:

NM_004360.5(CDH1):c.1899G>C (p.Gly633=)

Gene: CDH1 (cadherin 1; plus strand). Cytogenetic location: 16q22.1.
Variant type: single nucleotide variant.
Coding change: c.1899G>C on transcript NM_004360.5 (MANE Select); coding-DNA position 1899, G replaced by C.
Protein change: p.Gly633=; no amino-acid change (glycine 633 retained).
Molecular consequence: synonymous variant. On other transcripts: 5 prime UTR variant (1).
Genome position (GRCh38, 1-based): chr16:68,822,188, G>C. VCF-style: chr16-68822188-G-C. GRCh37 (hg19) VCF-style: chr16-68856091-G-C.
Other names: c.1716G>C, p.Gly572= (NM_001317184.2); c.351G>C, p.Gly117= (NM_001317185.2); c.-67G>C (NM_001317186.2).
Identifiers: ClinVar variation 1122460 (VCV001122460.10), dbSNP rs1961169875, ClinGen allele CA496392961.

ClinVar aggregate classification (germline): Benign/Likely benign. Review status: criteria provided, multiple submitters, no conflicts (2 of 4 stars). 2 submissions from 2 submitters: Benign (1); Likely benign (1). Last evaluated 2024-09-20.

Conditions:
Hereditary diffuse gastric adenocarcinoma (HDGC). Also called: DIFFUSE GASTRIC AND LOBULAR BREAST CANCER SYNDROME. Identifiers: Orphanet 26106, MedGen C1708349, MONDO:0007648, OMIM 137215.

Allele frequency attached by ClinVar (database versions not stated): TOPMed below 0.00001.

Submissions (2):

Myriad Genetics, Inc.
Classification: Benign for Hereditary diffuse gastric adenocarcinoma. Last evaluated: 2024-09-20. Review status: criteria provided, single submitter. Criteria: Myriad Autosomal Dominant, Autosomal Recessive and X-Linked Classification Criteria (2023). Collection method: clinical testing. Allele origin: unknown.
Comment: This variant is considered benign. This variant is a silent/synonymous amino acid change and it is not expected to impact splicing.

Labcorp Genetics (formerly Invitae), Labcorp
Classification: Likely benign for Hereditary diffuse gastric adenocarcinoma. Last evaluated: 2019-11-19. Review status: criteria provided, single submitter. Criteria: Invitae Variant Classification Sherloc (09022015). Collection method: clinical testing. Allele origin: germline.